The following is an entry in ClinVar:

NM_003072.5(SMARCA4):c.2545C>T (p.Arg849Trp)

Gene: SMARCA4 (SWI/SNF related BAF chromatin remodeling complex subunit ATPase 4; plus strand). Cytogenetic location: 19p13.2.
Variant type: single nucleotide variant.
Coding change: c.2545C>T on transcript NM_003072.5 (MANE Select); coding-DNA position 2545, C replaced by T.
Protein change: p.Arg849Trp; replaces arginine 849 with tryptophan.
Molecular consequence: missense variant. On other transcripts: non-coding transcript variant (1).
Genome position (GRCh38, 1-based): chr19:11,019,630, C>T. VCF-style: chr19-11019630-C-T. GRCh37 (hg19) VCF-style: chr19-11130306-C-T.
Other names: c.2545C>T, p.Arg849Trp (NM_001128844.3, NM_001128845.2, NM_001128846.2 and 5 more transcripts); short protein forms R849W.
Identifiers: ClinVar variation 659193 (VCV000659193.17), dbSNP rs1600257935, ClinGen allele CA404054445.

ClinVar aggregate classification (germline): Uncertain significance. Review status: criteria provided, multiple submitters, no conflicts (2 of 4 stars). 3 submissions from 3 submitters: Uncertain significance (3). Last evaluated 2021-07-15.

Conditions:
Rhabdoid tumor predisposition syndrome 2 (RTPS2). Identifiers: Orphanet 231108, Orphanet 69077, MedGen C2750074, MONDO:0013224, OMIM 613325.
Hereditary cancer-predisposing syndrome. Also called: Hereditary neoplastic syndrome; Neoplastic Syndromes, Hereditary; Hereditary Cancer Syndrome; Tumor predisposition. Identifiers: Orphanet 140162, MedGen C0027672, MeSH D009386, MONDO:0015356.
Intellectual disability, autosomal dominant 16 (CSS4). Also called: COFFIN-SIRIS SYNDROME 4. Identifiers: Orphanet 1465, MedGen C3553249, MONDO:0013821, OMIM 614609.

Submissions (3):

Genome-Nilou Lab
Classification: Uncertain significance for Intellectual disability, autosomal dominant 16. Last evaluated: 2021-07-15. Review status: criteria provided, single submitter. Criteria: ACMG Guidelines, 2015. Collection method: clinical testing. Allele origin: germline. Affected: no.

Labcorp Genetics (formerly Invitae), Labcorp
Classification: Uncertain significance for Rhabdoid tumor predisposition syndrome 2. Last evaluated: 2019-04-18. Review status: criteria provided, single submitter. Criteria: Invitae Variant Classification Sherloc (09022015). Collection method: clinical testing. Allele origin: germline.
Comment: This variant has not been reported in the literature in individuals with SMARCA4-related conditions. Algorithms developed to predict the effect of missense changes on protein structure and function (SIFT, PolyPhen-2, Align-GVGD) all suggest that this variant is likely to be disruptive, but these predictions have not been confirmed by published functional studies and their clinical significance is uncertain. In summary, the available evidence is currently insufficient to determine the role of this variant in disease. Therefore, it has been classified as a Variant of Uncertain Significance. This variant is not present in population databases (ExAC no frequency). This sequence change replaces arginine with tryptophan at codon 849 of the SMARCA4 protein (p.Arg849Trp). The arginine residue is highly conserved and there is a moderate physicochemical difference between arginine and tryptophan.

Ambry Genetics
Classification: Uncertain significance for Hereditary cancer-predisposing syndrome. Last evaluated: 2018-12-17. Review status: criteria provided, single submitter. Criteria: Ambry Variant Classification Scheme 2023. Collection method: clinical testing. Allele origin: germline.
Comment: The p.R849W variant (also known as c.2545C>T), located in coding exon 17 of the SMARCA4 gene, results from a C to T substitution at nucleotide position 2545. This alteration was reported as a somatic alteration in an adeno-neuroendocrine carcinoma that arose from a colorectal adenocarcinoma; this alteration was not present in the colorectal adnocarcinoma tumor, and the authors theorized that this alteration could have contributed to the transformation of the tumor into the neuroendocrine phenotype (Vanacker L et al. Anticancer Res., 2014 Oct;34:5517-21). The arginine at codon 849 is replaced by tryptophan, an amino acid with dissimilar properties. This amino acid position is highly conserved in available vertebrate species. In addition, this alteration is predicted to be deleterious by in silico analysis. Since supporting evidence is limited at this time, the clinical significance of this alteration remains unclear.

Literature cited by the submitters: PubMed 25275049 (cited by Ambry Genetics).